The following is an entry in ClinVar:

ClinVar aggregate classification (germline): Uncertain significance (1 of 4 stars; one submission).

Submission:

GeneDx
Classification: Uncertain significance. Last evaluated: 2024-04-16. Review status: criteria provided, single submitter. Criteria: GeneDx Variant Classification Process June 2021. Collection method: clinical testing. Allele origin: germline. Affected: yes.
Comment: Not observed at significant frequency in large population cohorts (gnomAD); In silico analysis supports a deleterious effect on splicing; Has not been previously published as pathogenic or benign to our knowledge

NM_004370.6(COL12A1):c.8415+3A>T

Gene: COL12A1 (collagen type XII alpha 1 chain; minus strand). Cytogenetic location: 6q13.
Variant type: single nucleotide variant.
Coding change: c.8415+3A>T on transcript NM_004370.6 (MANE Select); 3 bases into the intron after coding-DNA position 8415, A replaced by T.
Molecular consequence: intron variant.
Genome position (GRCh38, 1-based): chr6:75,102,594, T>A on the plus strand (A>T on the coding strand, the complement: COL12A1 is on the minus strand). VCF-style: chr6-75102594-T-A. GRCh37 (hg19) VCF-style: chr6-75812310-T-A.
Other names: c.4923+3A>T (NM_001424116.1, NM_080645.3); c.8142+3A>T (NM_001424115.1); c.8394+3A>T (NM_001424114.1); c.8415+3A>T (NM_001424113.1).
Identifiers: ClinVar variation 3372623 (VCV003372623.1).